The following is an entry in ClinVar:

NM_000203.5(IDUA):c.247C>T (p.Arg83Cys)

Genes: IDUA (alpha-L-iduronidase; plus strand), SLC26A1 (solute carrier family 26 member 1; minus strand). Cytogenetic location: 4p16.3.
Variant type: single nucleotide variant.
Coding change: c.247C>T on transcript NM_000203.5 (MANE Select); coding-DNA position 247, C replaced by T.
Protein change: p.Arg83Cys; replaces arginine 83 with cysteine.
Molecular consequence: missense variant. On other transcripts: 3 prime UTR variant (2), non-coding transcript variant (1), intron variant (1).
Genome position (GRCh38, 1-based): chr4:987,897, C>T. VCF-style: chr4-987897-C-T. GRCh37 (hg19) VCF-style: chr4-981685-C-T.
Other names: c.*936G>A (NM_022042.4, NM_213613.4); c.576+3231G>A (NM_134425.4); short protein forms R83C.
Identifiers: ClinVar variation 839353 (VCV000839353.13), dbSNP rs771733089, ClinGen allele CA2801148.

ClinVar aggregate classification (germline): Uncertain significance. Review status: criteria provided, multiple submitters, no conflicts (2 of 4 stars). 4 submissions from 4 submitters: Uncertain significance (3). 1 of the submissions does not count toward it. Last evaluated 2024-08-19.

Conditions:
Mucopolysaccharidosis type 1. Also called: IDUA deficiency; MPS I. Identifiers: Orphanet 579, MedGen C0023786, MONDO:0001586.

Allele frequency attached by ClinVar (database versions not stated): gnomAD 0.00003; TOPMed 0.00005.

Submissions (4):

Revvity Omics, Revvity
Classification: Uncertain significance. Last evaluated: 2024-08-19. Review status: criteria provided, single submitter. Criteria: ACMG Guidelines, 2015. Collection method: clinical testing. Allele origin: germline.

Labcorp Genetics (formerly Invitae), Labcorp
Classification: Uncertain significance for Mucopolysaccharidosis type 1. Last evaluated: 2022-02-05. Review status: criteria provided, single submitter. Criteria: Invitae Variant Classification Sherloc (09022015). Collection method: clinical testing. Allele origin: germline.
Comment: This sequence change replaces arginine, which is basic and polar, with cysteine, which is neutral and slightly polar, at codon 83 of the IDUA protein (p.Arg83Cys). This variant is present in population databases (rs771733089, gnomAD 0.01%). This variant has not been reported in the literature in individuals affected with IDUA-related conditions. ClinVar contains an entry for this variant (Variation ID: 839353). Algorithms developed to predict the effect of missense changes on protein structure and function are either unavailable or do not agree on the potential impact of this missense change (SIFT: "Tolerated"; PolyPhen-2: "Possibly Damaging"; Align-GVGD: "Class C0"). In summary, the available evidence is currently insufficient to determine the role of this variant in disease. Therefore, it has been classified as a Variant of Uncertain Significance.

GeneDx
Classification: Uncertain significance. Last evaluated: 2020-12-28. Review status: criteria provided, single submitter. Criteria: GeneDx Variant Classification Process June 2021. Collection method: clinical testing. Allele origin: germline. Affected: yes.
Comment: Has not been previously published as pathogenic or benign to our knowledge; Not observed at a significant frequency in large population cohorts (Lek et al., 2016); In silico analysis supports that this missense variant has a deleterious effect on protein structure/function

Natera, Inc.
Classification: Uncertain significance for Mucopolysaccharidosis type I. Last evaluated: 2021-04-02. Review status: no assertion criteria provided. Collection method: clinical testing. Allele origin: germline. Not counted in ClinVar's aggregate classification.